The following is an entry in ClinVar:

NM_022168.4(IFIH1):c.2026C>G (p.Leu676Val)

Gene: IFIH1 (interferon induced with helicase C domain 1; minus strand). Cytogenetic location: 2q24.2.
Variant type: single nucleotide variant.
Coding change: c.2026C>G on transcript NM_022168.4 (MANE Select); coding-DNA position 2026, C replaced by G.
Protein change: p.Leu676Val; replaces leucine 676 with valine.
Molecular consequence: missense variant.
Genome position (GRCh38, 1-based): chr2:162,277,433, G>C on the plus strand (C>G on the coding strand, the complement: IFIH1 is on the minus strand). VCF-style: chr2-162277433-G-C. GRCh37 (hg19) VCF-style: chr2-163133943-G-C.
Other names: short protein forms L676V.
Identifiers: ClinVar variation 1032133 (VCV001032133.1), dbSNP rs1682712829, ClinGen allele CA348998329.
Genomic context (GRCh38, chr2:162,277,433, plus strand): 5'-AGGTAAATGAATGACACCAGTATATGTTACTTTGAATCTTACCAAAAAATAAAGTCATGA[G>C]AAATCTATCTGTTTCATCCAGTTTCAAAGGTTTCTTTAAATCATCCTCATCTTCATCACC-3'
Protein context (NP_071451.2, residues 666-686): PLKLDETDRF[Leu676Val]MTLFFENNKM

ClinVar aggregate classification (germline): Uncertain significance (1 of 4 stars; one submission).

Conditions:
Aicardi-Goutieres syndrome 7 (AGS7). Identifiers: Orphanet 51, MedGen C3888244, MONDO:0014367, OMIM 615846.

Submission:

Baylor Genetics
Classification: Uncertain significance for Aicardi-Goutieres syndrome 7. Last evaluated: 2018-04-20. Review status: criteria provided, single submitter. Criteria: ACMG Guidelines, 2015. Collection method: clinical testing. Allele origin: paternal. Affected: yes.
Comment: This variant was determined to be of uncertain significance according to ACMG Guidelines, 2015 [PMID:25741868].